The following is an entry in ClinVar:

ClinVar aggregate classification (germline): Uncertain significance (1 of 4 stars; one submission).

Conditions:
Long QT syndrome (LQTS). Identifiers: MedGen C0023976, MeSH D008133, MONDO:0002442. Disease mechanism: loss of function. Inheritance: Various modes of inheritance.

Submission:

Labcorp Genetics (formerly Invitae), Labcorp
Classification: Uncertain significance for Long QT syndrome. Last evaluated: 2026-01-26. Review status: criteria provided, single submitter. Criteria: Invitae Variant Classification Sherloc (09022015). Collection method: clinical testing. Allele origin: germline.
Comment: This sequence change affects codon 864 of the KCNH2 mRNA. It is a 'silent' change, meaning that it does not change the encoded amino acid sequence of the KCNH2 protein. It affects a nucleotide within the consensus splice site. This variant is not present in population databases (gnomAD no frequency). This variant has not been reported in the literature in individuals affected with KCNH2-related conditions. ClinVar contains an entry for this variant (Variation ID: 1467849). Algorithms developed to predict the effect of sequence changes on RNA splicing suggest that this variant is not likely to affect RNA splicing. In summary, the available evidence is currently insufficient to determine the role of this variant in disease. Therefore, it has been classified as a Variant of Uncertain Significance.

NM_000238.4(KCNH2):c.2592T>C (p.Asp864=)

Gene: KCNH2 (potassium voltage-gated channel subfamily H member 2; minus strand). Cytogenetic location: 7q36.1.
Variant type: single nucleotide variant.
Coding change: c.2592T>C on transcript NM_000238.4 (MANE Select); coding-DNA position 2592, T replaced by C.
Protein change: p.Asp864=; no amino-acid change (aspartic acid 864 retained).
Molecular consequence: synonymous variant.
Genome position (GRCh38, 1-based): chr7:150,948,856, A>G on the plus strand (T>C on the coding strand, the complement: KCNH2 is on the minus strand). VCF-style: chr7-150948856-A-G. GRCh37 (hg19) VCF-style: chr7-150645944-A-G.
Other names: c.1572T>C, p.Asp524= (NM_172057.3).
Identifiers: ClinVar variation 1467849 (VCV001467849.8), dbSNP rs2116939952, ClinGen allele CA458645109.